The following is an entry in ClinVar:

ClinVar aggregate classification (germline): Uncertain significance. Review status: criteria provided, multiple submitters, no conflicts (2 of 4 stars). 2 submissions from 2 submitters: Uncertain significance (2). Last evaluated 2025-05-07.

Conditions:
Inborn genetic diseases. Identifiers: MedGen C0950123, MeSH D030342.
Brachyolmia-amelogenesis imperfecta syndrome. Also called: Tooth agenesis, selective, 6; Dental anomalies and short stature; PLATYSPONDYLY WITH AMELOGENESIS IMPERFECTA. Identifiers: Orphanet 2899, MedGen C1832594, MONDO:0011018, OMIM 601216. Disease mechanism: loss of function.

Allele frequency attached by ClinVar (database versions not stated): gnomAD 0.00001; TOPMed 0.00001.
gnomAD v4.1: 9 of 1,613,680 alleles (0.00056%); highest among the groups gnomAD compares: Non-Finnish European, 0.00076%; no homozygotes.

Submissions (2):

Labcorp Genetics (formerly Invitae), Labcorp
Classification: Uncertain significance for Brachyolmia-amelogenesis imperfecta syndrome. Last evaluated: 2025-05-07. Review status: criteria provided, single submitter. Criteria: Invitae Variant Classification Sherloc (09022015). Collection method: clinical testing. Allele origin: germline.
Comment: This sequence change replaces arginine, which is basic and polar, with histidine, which is basic and polar, at codon 612 of the LTBP3 protein (p.Arg612His). This variant is present in population databases (no rsID available, gnomAD 0.0009%). This variant has not been reported in the literature in individuals affected with LTBP3-related conditions. ClinVar contains an entry for this variant (Variation ID: 3121446). An algorithm developed to predict the effect of missense changes on protein structure and function outputs the following: PolyPhen-2: "Benign". The histidine amino acid residue is found in multiple mammalian species, which suggests that this missense change does not adversely affect protein function. In summary, the available evidence is currently insufficient to determine the role of this variant in disease. Therefore, it has been classified as a Variant of Uncertain Significance.

Ambry Genetics
Classification: Uncertain significance for Inborn genetic diseases. Last evaluated: 2024-01-08. Review status: criteria provided, single submitter. Criteria: Ambry Variant Classification Scheme 2023. Collection method: clinical testing. Allele origin: germline.

NM_001130144.3(LTBP3):c.1835G>A (p.Arg612His)

Gene: LTBP3 (latent transforming growth factor beta binding protein 3; minus strand). Cytogenetic location: 11q13.1.
Variant type: single nucleotide variant.
Coding change: c.1835G>A on transcript NM_001130144.3 (MANE Select); coding-DNA position 1835, G replaced by A.
Protein change: p.Arg612His; replaces arginine 612 with histidine.
Molecular consequence: missense variant.
Genome position (GRCh38, 1-based): chr11:65,547,931, C>T on the plus strand (G>A on the coding strand, the complement: LTBP3 is on the minus strand). VCF-style: chr11-65547931-C-T. GRCh37 (hg19) VCF-style: chr11-65315402-C-T.
Other names: c.1484G>A, p.Arg495His (NM_001164266.1); c.1835G>A, p.Arg612His (NM_021070.4); short protein forms R495H, R612H.
Identifiers: ClinVar variation 3121446 (VCV003121446.3), dbSNP rs1408051455, ClinGen allele CA381271790.